The following is an entry in ClinVar:

ClinVar aggregate classification (germline): Uncertain significance (1 of 4 stars; one submission).

Conditions:
Cardiovascular phenotype. Identifiers: MedGen CN230736.

gnomAD v4.1: 1 of 1,598,508 alleles (0.000063%); highest among the groups gnomAD compares: African/African-American, 0.0013%; no homozygotes.

Submission:

Ambry Genetics
Classification: Uncertain significance for Cardiovascular phenotype. Last evaluated: 2025-10-05. Review status: criteria provided, single submitter. Criteria: Ambry Variant Classification Scheme 2023. Collection method: clinical testing. Allele origin: germline.
Comment: The p.K613R variant (also known as c.1838A>G), located in coding exon 14 of the APOB gene, results from an A to G substitution at nucleotide position 1838. The lysine at codon 613 is replaced by arginine, an amino acid with highly similar properties. This amino acid position is conserved. In addition, this alteration is predicted to be tolerated by in silico analysis. Based on the available evidence, the clinical significance of this variant remains unclear.

NM_000384.3(APOB):c.1838A>G (p.Lys613Arg)

Gene: APOB (apolipoprotein B; minus strand). Cytogenetic location: 2p24.1.
Variant type: single nucleotide variant.
Coding change: c.1838A>G on transcript NM_000384.3 (MANE Select); coding-DNA position 1838, A replaced by G.
Protein change: p.Lys613Arg; replaces lysine 613 with arginine.
Molecular consequence: missense variant.
Genome position (GRCh38, 1-based): chr2:21,028,057, T>C on the plus strand (A>G on the coding strand, the complement: APOB is on the minus strand). VCF-style: chr2-21028057-T-C. GRCh37 (hg19) VCF-style: chr2-21250929-T-C.
Other names: short protein forms K613R.
Identifiers: ClinVar variation 4613627 (VCV004613627.1).
Genomic context (GRCh38, chr2:21,028,057, plus strand): 5'-AATTTTCTGAAGTCCATGACAGTTGGAAGTTGAGATTCTTTCAGAGCTTCTTTCACTAAC[T>C]TTTTCAGACTAGATAAGAAGAAGTATATTTTGAGCTGACACACCATGTTATTATCCTTTG-3'
Protein context (NP_000375.3, residues 603-623): SEELDIQDLK[Lys613Arg]LVKEALKESQ